The following is an entry in ClinVar:

ClinVar aggregate classification (germline): Uncertain significance (1 of 4 stars; one submission).

Submission:

Labcorp Genetics (formerly Invitae), Labcorp
Classification: Uncertain significance. Last evaluated: 2023-10-22. Review status: criteria provided, single submitter. Criteria: Invitae Variant Classification Sherloc (09022015). Collection method: clinical testing. Allele origin: germline.
Comment: This variant, c.1160_1165del, results in the deletion of 2 amino acid(s) of the TBX18 protein (p.Pro387_His388del), but otherwise preserves the integrity of the reading frame. This variant is not present in population databases (gnomAD no frequency). This variant has not been reported in the literature in individuals affected with TBX18-related conditions. Experimental studies and prediction algorithms are not available or were not evaluated, and the functional significance of this variant is currently unknown. In summary, the available evidence is currently insufficient to determine the role of this variant in disease. Therefore, it has been classified as a Variant of Uncertain Significance.

NM_001080508.3(TBX18):c.1154CTCACC[1] (p.Pro387_His388del)

Gene: TBX18 (T-box transcription factor 18; minus strand). Cytogenetic location: 6q14.3.
Variant type: Microsatellite.
Coding change: c.1154CTCACC[1] on transcript NM_001080508.3 (MANE Select); one copy of the 6-base unit CTCACC starting at c.1154; the reference has two copies in a row; one copy, 6 bases deleted.
Protein change: p.Pro387_His388del.
Molecular consequence: inframe deletion.
Genome position (GRCh38, 1-based): chr6:84,737,344-84,737,349, GGTGAG deleted on the plus strand (CTCACC on the coding strand, the reverse complement: TBX18 is on the minus strand); deleting any 6 consecutive bases within chr6:84,737,344-84,737,355 gives the same sequence; the position shown is the placement nearest the transcript's 3' end. VCF-style (leftmost placement, unchanged base first): chr6-84737343-AGGTGAG-A. GRCh37 (hg19) VCF-style: chr6-85447061-AGGTGAG-A.
Identifiers: ClinVar variation 2868910 (VCV002868910.3), dbSNP rs2481837359, ClinGen allele CA451342556.